The following is an entry in ClinVar:

NM_000206.3(IL2RG):c.75_77del (p.Thr26del)

Genes: IL2RG (interleukin 2 receptor subunit gamma; minus strand), LOC126863274 (MED14-independent group 3 enhancer GRCh37_chrX:70330888-70332087; plus strand). Cytogenetic location: Xq13.1.
Variant type: Deletion.
Coding change: c.75_77del on transcript NM_000206.3 (MANE Select); coding-DNA positions 75 to 77, 3 bases deleted (GAC; older notation c.75_77delGAC).
Protein change: p.Thr26del; deletes threonine 26.
Molecular consequence: inframe deletion.
Genome position (GRCh38, 1-based): chrX:71,111,463-71,111,465, GTC deleted on the plus strand (GAC on the coding strand, the reverse complement: IL2RG is on the minus strand); deleting any 3 consecutive bases within chrX:71,111,463-71,111,467 gives the same sequence; the c. name uses the placement nearest the transcript's 3' end. VCF-style (leftmost placement, unchanged base first): chrX-71111462-TGTC-T. GRCh37 (hg19) VCF-style: chrX-70331312-TGTC-T.
Other names: short protein forms T26del.
Identifiers: ClinVar variation 1699362 (VCV001699362.3), dbSNP rs758742212, ClinGen allele CA10443953.

ClinVar aggregate classification (germline): Uncertain significance (1 of 4 stars; one submission).

Conditions:
Combined immunodeficiency, X-linked (CIDX). Also called: IMMUNODEFICIENCY 6. Identifiers: MedGen C6022467, MONDO:0010730, OMIM 312863.

Submission:

Victorian Clinical Genetics Services, Murdoch Childrens Research Institute
Classification: Uncertain significance for Combined immunodeficiency, X-linked. Last evaluated: 2022-02-02. Review status: criteria provided, single submitter. Criteria: ACMG Guidelines, 2015. Collection method: clinical testing. Allele origin: germline. Inheritance: X-linked recessive inheritance.
Comment: Based on the classification scheme VCGS_Germline_v1.3.4, this variant is classified as VUS-3B. Following criteria are met: 0102 - Loss of function is a known mechanism of disease in this gene and is associated with moderate combined immunodeficiency (MIM#312863) and severe combined immunodeficiency (MIM#300400). (I) 0109 - This gene is associated with X-linked recessive disease. (I) 0216 - In-frame deletion in a non-repetitive region that has low conservation. (SP) 0251 - This variant is heterozygous. (I) 0304 - Variant is present in gnomAD (v3) <0.01 for a recessive condition (1 heterozygote, 0 homozygotes, 1 hemizygote). (SP) 0604 - Variant is not located in an established domain, motif, hotspot or informative constraint region. (I) 0807 - This variant has no previous evidence of pathogenicity. (I) 0905 - No published segregation evidence has been identified for this variant. (I) 1007 - No published functional evidence has been identified for this variant. (I) 0705 - No comparable in-frame deletion variants have previous evidence for pathogenicity. (I) Legend: (SP) - Supporting pathogenic, (I) - Information, (SB) - Supporting benign